The following is an entry in ClinVar:

ClinVar aggregate classification (germline): Benign. Review status: criteria provided, single submitter (1 of 4 stars). 2 submissions from 2 submitters: Benign (1). 1 of the submissions does not count toward it. Last evaluated 2018-05-18.

Conditions:
RMI1-related disorder. Also called: RMI1-related condition.

Allele frequency attached by ClinVar (database versions not stated): gnomAD exomes 0.00035 and 0.00086; ExAC 0.00109; gnomAD 0.00311 and 0.00334; TOPMed 0.00334; 1000 Genomes Project 0.00339; ESP Exome Variant Server 0.00431.
gnomAD v4.1: 1,030 of 1,613,858 alleles (0.064%); highest among the groups gnomAD compares: African/African-American, 1.2%; 11 homozygotes.

Submissions (2):

Labcorp Genetics (formerly Invitae), Labcorp
Classification: Benign. Last evaluated: 2018-05-18. Review status: criteria provided, single submitter. Criteria: Invitae Variant Classification Sherloc (09022015). Collection method: clinical testing. Allele origin: germline.

PreventionGenetics, part of Exact Sciences
Classification: Benign for RMI1-related condition. Last evaluated: 2019-03-19. Review status: no assertion criteria provided. Collection method: clinical testing. Allele origin: germline. Not counted in ClinVar's aggregate classification.
Comment: This variant is classified as benign based on ACMG/AMP sequence variant interpretation guidelines (Richards et al. 2015 PMID: 25741868, with internal and published modifications).

NM_001358291.2(RMI1):c.997A>G (p.Thr333Ala)

Gene: RMI1 (RecQ mediated genome instability 1; plus strand). Cytogenetic location: 9q21.32.
Variant type: single nucleotide variant.
Coding change: c.997A>G on transcript NM_001358291.2 (MANE Select); coding-DNA position 997, A replaced by G.
Protein change: p.Thr333Ala; replaces threonine 333 with alanine.
Molecular consequence: missense variant.
Genome position (GRCh38, 1-based): chr9:84,001,983, A>G. VCF-style: chr9-84001983-A-G. GRCh37 (hg19) VCF-style: chr9-86616898-A-G.
Other names: c.997A>G, p.Thr333Ala (NM_001358292.2, NM_001358293.2, NM_001358294.2 and 1 more transcripts); short protein forms T333A.
Identifiers: ClinVar variation 727327 (VCV000727327.5), dbSNP rs146219782, ClinGen allele CA5104525.